The following is an entry in ClinVar:

NM_000092.5(COL4A4):c.3408del (p.Met1137fs)

Gene: COL4A4 (collagen type IV alpha 4 chain; minus strand). Cytogenetic location: 2q36.3.
Variant type: Deletion.
Coding change: c.3408del on transcript NM_000092.5 (MANE Select); coding-DNA position 3408, one base deleted (G; older notation c.3408delG).
Protein change: p.Met1137fs; shifts the reading frame from methionine 1137.
Molecular consequence: frameshift variant.
Genome position (GRCh38, 1-based): chr2:227,042,245, C deleted on the plus strand (G on the coding strand, the reverse complement: COL4A4 is on the minus strand); the first of 3 consecutive C bases (chr2:227,042,245-227,042,247); deleting any one gives the same sequence. VCF-style (leftmost placement, unchanged base first): chr2-227042244-TC-T. GRCh37 (hg19) VCF-style: chr2-227906960-TC-T.
Other names: short protein forms M1137fs.
Identifiers: ClinVar variation 988151 (VCV000988151.2), dbSNP rs1971618196, ClinGen allele CA1332740041.

ClinVar aggregate classification (germline): Pathogenic. Review status: criteria provided, single submitter (1 of 4 stars). 2 submissions from 2 submitters: Pathogenic (1). 1 of the submissions does not count toward it. Last evaluated 2025-09-10.

Conditions:
Hematuria. Identifiers: MedGen C0018965, HP:0000790.

Submissions (2):

Labcorp Genetics (formerly Invitae), Labcorp
Classification: Pathogenic. Last evaluated: 2025-09-10. Review status: criteria provided, single submitter. Criteria: Invitae Variant Classification Sherloc (09022015). Collection method: clinical testing. Allele origin: germline.
Comment: This sequence change creates a premature translational stop signal (p.Met1137Cysfs*4) in the COL4A4 gene. It is expected to result in an absent or disrupted protein product. Loss-of-function variants in COL4A4 are known to be pathogenic (PMID: 21196518, 24854265, 25307543). This variant is not present in population databases (gnomAD no frequency). This variant has not been reported in the literature in individuals affected with COL4A4-related conditions. ClinVar contains an entry for this variant (Variation ID: 988151). For these reasons, this variant has been classified as Pathogenic.

Sydney Genome Diagnostics, Children's Hospital Westmead
Classification: Likely pathogenic for Hematuria. Last evaluated: 2019-05-17. Review status: no assertion criteria provided. Collection method: clinical testing. Allele origin: unknown. Affected: yes. Observed: 1 variant allele, 1 heterozygote. Not counted in ClinVar's aggregate classification.
Comment: This frameshifting variant is predicted to create a premature stop codon p.(Met1137Cysfs*4) and may result in a null allele due to nonsense-mediated mRNA decay. The variant has not been reported in any population databases (i.e. gnomAD, ExAC, ESP or dbSNP). To our knowledge, this variant has not been previously reported in the literature or any disease specific databases. However, other truncating variants downstream of this amino acid have been described in ClinVar. This variant is considered to be likely pathogenic according to the ACMG guidelines (Evidence used: PVS1, PM2).

Literature cited by the submitters: PubMed 21196518 (cited by Labcorp Genetics (formerly Invitae), Labcorp); PubMed 24854265 (cited by Labcorp Genetics (formerly Invitae), Labcorp); PubMed 25307543 (cited by Labcorp Genetics (formerly Invitae), Labcorp).